The following is an entry in ClinVar:

NM_001080467.3(MYO5B):c.5346G>A (p.Leu1782=)

Genes: MYO5B (myosin VB; minus strand), SNHG22 (small nucleolar RNA host gene 22; plus strand). Cytogenetic location: 18q21.1.
Variant type: single nucleotide variant.
Coding change: c.5346G>A on transcript NM_001080467.3 (MANE Select); coding-DNA position 5346, G replaced by A.
Protein change: p.Leu1782=; no amino-acid change (leucine 1782 retained).
Molecular consequence: synonymous variant.
Genome position (GRCh38, 1-based): chr18:49,835,392, C>T on the plus strand (G>A on the coding strand, the complement: MYO5B is on the minus strand). VCF-style: chr18-49835392-C-T. GRCh37 (hg19) VCF-style: chr18-47361762-C-T.
Identifiers: ClinVar variation 3054835 (VCV003054835.2), dbSNP rs759244516, ClinGen allele CA8960071.

ClinVar aggregate classification (germline): Likely benign (0 of 4 stars; one submission).

Conditions:
MYO5B-related disorder. Also called: MYO5B-related condition.

Allele frequency attached by ClinVar (database versions not stated): gnomAD exomes below 0.00001; ExAC 0.00001; gnomAD 0.00003; TOPMed 0.00003.
gnomAD v4.1: 5 of 1,612,454 alleles (0.00031%); highest among the groups gnomAD compares: African/African-American, 0.0067%; no homozygotes.

Submission:

PreventionGenetics, part of Exact Sciences
Classification: Likely benign for MYO5B-related condition. Last evaluated: 2021-11-01. Review status: no assertion criteria provided. Collection method: clinical testing. Allele origin: germline.
Comment: This variant is classified as likely benign based on ACMG/AMP sequence variant interpretation guidelines (Richards et al. 2015 PMID: 25741868, with internal and published modifications).